The following is an entry in ClinVar:

ClinVar aggregate classification (germline): Uncertain significance (1 of 4 stars; one submission).

Conditions:
Autosomal dominant familial hematuria-retinal arteriolar tortuosity-contractures syndrome. Also called: Angiopathy, hereditary, with nephropathy, aneurysms, and muscle cramps; Hereditary Angiopathy with Nephropathy, Aneurysms, and Muscle Cramps (HANAC) Syndrome. Identifiers: Orphanet 73229, MedGen C2673195, MONDO:0012726, OMIM 611773.

Submission:

MVZ Medizinische Genetik Mainz
Classification: Uncertain significance for Autosomal dominant familial hematuria-retinal arteriolar tortuosity-contractures syndrome. Last evaluated: 2023-07-05. Review status: criteria provided, single submitter. Criteria: UK Practice Guidelines For Variant Classification V4 01 2020. Collection method: clinical testing. Allele origin: germline. Inheritance: Autosomal dominant inheritance. Affected: yes. Observed: 1 variant allele.
Comment: PM2_SUP

NM_001845.6(COL4A1):c.475C>T (p.Pro159Ser)

Gene: COL4A1 (collagen type IV alpha 1 chain; minus strand). Cytogenetic location: 13q34.
Variant type: single nucleotide variant.
Coding change: c.475C>T on transcript NM_001845.6 (MANE Select); coding-DNA position 475, C replaced by T.
Protein change: p.Pro159Ser; replaces proline 159 with serine.
Molecular consequence: missense variant.
Genome position (GRCh38, 1-based): chr13:110,210,206, G>A on the plus strand (C>T on the coding strand, the complement: COL4A1 is on the minus strand). VCF-style: chr13-110210206-G-A. GRCh37 (hg19) VCF-style: chr13-110862553-G-A.
Other names: c.475C>T, p.Pro159Ser (NM_001303110.2); short protein forms P159S.
Identifiers: ClinVar variation 3061876 (VCV003061876.1), dbSNP rs1386054257, ClinGen allele CA388725722.
Genomic context (GRCh38, chr13:110,210,206, plus strand): 5'-CGGGAAATCCTCTTTCACCTTTCAACAGCATCCCGGGCACATGGCCAAGTATCTCACCTG[G>A]ATCACCCTAGAGGATGAAGAAAGAAAATAGAAAGTTGCAAATATCGACATTCATGTAAAG-3'
Protein context (NP_001836.3, residues 149-169): PPGLPGMKGD[Pro159Ser]GEILGHVPGM